The following is an entry in ClinVar:

NM_015231.3(NUP160):c.2271_2273+1del

Gene: NUP160 (nucleoporin 160; minus strand). Cytogenetic location: 11p11.2.
Variant type: Deletion.
Coding change: c.2271_2273+1del on transcript NM_015231.3 (MANE Select); coding-DNA position 2271 through the canonical splice donor site of the intron after coding-DNA position 2273, 4 bases deleted (ACTG; older notation c.2271_2273+1delACTG).
Molecular consequence: splice donor variant.
Genome position (GRCh38, 1-based): chr11:47,808,395-47,808,398, CAGT deleted on the plus strand (ACTG on the coding strand, the reverse complement: NUP160 is on the minus strand). VCF-style (leftmost placement, unchanged base first): chr11-47808394-ACAGT-A. GRCh37 (hg19) VCF-style: chr11-47829946-ACAGT-A.
Identifiers: ClinVar variation 4727479 (VCV004727479.1).

ClinVar aggregate classification (germline): Likely pathogenic (1 of 4 stars; one submission).

Submission:

Labcorp Genetics (formerly Invitae), Labcorp
Classification: Likely pathogenic. Last evaluated: 2025-09-20. Review status: criteria provided, single submitter. Criteria: Invitae Variant Classification Sherloc (09022015). Collection method: clinical testing. Allele origin: germline.
Comment: This variant results in the deletion of part of exon 18 (c.2373_2375+1del) of the NUP160 gene. It is expected to disrupt RNA splicing. Variants that disrupt the donor or acceptor splice site typically lead to a loss of protein function (PMID: 16199547), and loss-of-function variants in NUP160 are known to be pathogenic (PMID: 30910934). This variant is not present in population databases (gnomAD no frequency). This variant has not been reported in the literature in individuals affected with NUP160-related conditions. In summary, the currently available evidence indicates that the variant is pathogenic, but additional data are needed to prove that conclusively. Therefore, this variant has been classified as Likely Pathogenic.

Literature cited by the submitters: PubMed 16199547; PubMed 30910934.